The following is an entry in ClinVar:

ClinVar aggregate classification (germline): Likely benign (1 of 4 stars; one submission).

Conditions:
IRF6-related condition. Also called: IRF6-Related Disorders; IRF6-related disorder. Identifiers: MedGen CN378148, MONDO:1040010.

Submission:

PreventionGenetics, part of Exact Sciences
Classification: Likely benign for IRF6-related condition. Last evaluated: 2025-10-28. Review status: criteria provided, single submitter. Criteria: ACMG Guidelines, 2015. Collection method: clinical testing. Allele origin: germline.
Comment: This variant is classified as likely benign based on ACMG/AMP sequence variant interpretation guidelines (Richards et al. 2015 PMID: 25741868, with internal and published modifications).

NM_006147.4(IRF6):c.781G>A (p.Asp261Asn)

Gene: IRF6 (interferon regulatory factor 6; minus strand). Cytogenetic location: 1q32.2.
Variant type: single nucleotide variant.
Coding change: c.781G>A on transcript NM_006147.4 (MANE Select); coding-DNA position 781, G replaced by A.
Protein change: p.Asp261Asn; replaces aspartic acid 261 with asparagine.
Molecular consequence: missense variant.
Genome position (GRCh38, 1-based): chr1:209,790,774, C>T on the plus strand (G>A on the coding strand, the complement: IRF6 is on the minus strand). VCF-style: chr1-209790774-C-T. GRCh37 (hg19) VCF-style: chr1-209964119-C-T.
Other names: c.496G>A, p.Asp166Asn (NM_001206696.2); short protein forms D261N, D166N.
Identifiers: ClinVar variation 4983382 (VCV004983382.1).